The following is an entry in ClinVar:

ClinVar aggregate classification (germline): Uncertain significance (1 of 4 stars; one submission).

Conditions:
Dyskeratosis congenita, autosomal recessive 6 (DKCB6). Identifiers: MedGen C4225356, MONDO:0014600, OMIM 616353.
Pulmonary fibrosis and/or bone marrow failure, Telomere-related, 4. Also called: PULMONARY FIBROSIS AND/OR BONE MARROW FAILURE SYNDROME, TELOMERE-RELATED, 4. Identifiers: Orphanet 2032, MedGen C4225347, MONDO:0014612, OMIM 616371.

Allele frequency attached by ClinVar (database versions not stated): gnomAD exomes below 0.00001.
gnomAD v4.1: 3 of 1,488,880 alleles (0.0002%); highest among the groups gnomAD compares: Admixed American, 0.002%; no homozygotes.

Submission:

Labcorp Genetics (formerly Invitae), Labcorp
Classification: Uncertain significance for Dyskeratosis congenita, autosomal recessive 6; Pulmonary fibrosis and/or bone marrow failure, Telomere-related, 4. Last evaluated: 2023-11-27. Review status: criteria provided, single submitter. Criteria: Invitae Variant Classification Sherloc (09022015). Collection method: clinical testing. Allele origin: germline.
Comment: This sequence change replaces methionine, which is neutral and non-polar, with valine, which is neutral and non-polar, at codon 428 of the PARN protein (p.Met428Val). This variant is not present in population databases (gnomAD no frequency). This variant has not been reported in the literature in individuals affected with PARN-related conditions. ClinVar contains an entry for this variant (Variation ID: 1041237). Advanced modeling of protein sequence and biophysical properties (such as structural, functional, and spatial information, amino acid conservation, physicochemical variation, residue mobility, and thermodynamic stability) performed at Invitae indicates that this missense variant is not expected to disrupt PARN protein function with a negative predictive value of 80%. In summary, the available evidence is currently insufficient to determine the role of this variant in disease. Therefore, it has been classified as a Variant of Uncertain Significance.

NM_002582.4(PARN):c.1282A>G (p.Met428Val)

Gene: PARN (poly(A)-specific ribonuclease; minus strand). Cytogenetic location: 16p13.12.
Variant type: single nucleotide variant.
Coding change: c.1282A>G on transcript NM_002582.4 (MANE Select); coding-DNA position 1282, A replaced by G.
Protein change: p.Met428Val; replaces methionine 428 with valine.
Molecular consequence: missense variant.
Genome position (GRCh38, 1-based): chr16:14,555,690, T>C on the plus strand (A>G on the coding strand, the complement: PARN is on the minus strand). VCF-style: chr16-14555690-T-C. GRCh37 (hg19) VCF-style: chr16-14649547-T-C.
Other names: c.1099A>G, p.Met367Val (NM_001134477.3); c.1144A>G, p.Met382Val (NM_001242992.2); short protein forms M367V, M382V, M428V.
Identifiers: ClinVar variation 1041237 (VCV001041237.9), dbSNP rs1967640251, ClinGen allele CA394812977.